The following is an entry in ClinVar:

NM_198578.4(LRRK2):c.2600A>T (p.Asp867Val)

Gene: LRRK2 (leucine rich repeat kinase 2; plus strand). Cytogenetic location: 12q12.
Variant type: single nucleotide variant.
Coding change: c.2600A>T on transcript NM_198578.4 (MANE Select); coding-DNA position 2600, A replaced by T.
Protein change: p.Asp867Val; replaces aspartic acid 867 with valine.
Molecular consequence: missense variant.
Genome position (GRCh38, 1-based): chr12:40,287,450, A>T. VCF-style: chr12-40287450-A-T. GRCh37 (hg19) VCF-style: chr12-40681252-A-T.
Other names: short protein forms D867V.
Identifiers: ClinVar variation 2561230 (VCV002561230.5), dbSNP rs2499679766, ClinGen allele CA384408860.

ClinVar aggregate classification (germline): Uncertain significance. Review status: criteria provided, multiple submitters, no conflicts (2 of 4 stars). 2 submissions from 2 submitters: Uncertain significance (2). Last evaluated 2023-06-24.

Conditions:
Inborn genetic diseases. Identifiers: MedGen C0950123, MeSH D030342.
Autosomal dominant Parkinson disease 8. Also called: LRRK2-Related Parkinson Disease; Parkinson disease 8; Parkinson disease 8, susceptibility to. Identifiers: Orphanet 411602, MedGen C1846862, MONDO:0011764, OMIM 607060.

Submissions (2):

Labcorp Genetics (formerly Invitae), Labcorp
Classification: Uncertain significance for Autosomal dominant Parkinson disease 8. Last evaluated: 2023-06-24. Review status: criteria provided, single submitter. Criteria: Invitae Variant Classification Sherloc (09022015). Collection method: clinical testing. Allele origin: germline.
Comment: This sequence change replaces aspartic acid, which is acidic and polar, with valine, which is neutral and non-polar, at codon 867 of the LRRK2 protein (p.Asp867Val). This variant is not present in population databases (gnomAD no frequency). This variant has not been reported in the literature in individuals affected with LRRK2-related conditions. Advanced modeling of protein sequence and biophysical properties (such as structural, functional, and spatial information, amino acid conservation, physicochemical variation, residue mobility, and thermodynamic stability) performed at Invitae indicates that this missense variant is not expected to disrupt LRRK2 protein function. In summary, the available evidence is currently insufficient to determine the role of this variant in disease. Therefore, it has been classified as a Variant of Uncertain Significance.

Ambry Genetics
Classification: Uncertain significance for Inborn genetic diseases. Last evaluated: 2023-03-19. Review status: criteria provided, single submitter. Criteria: Ambry Variant Classification Scheme 2023. Collection method: clinical testing. Allele origin: germline.
Comment: The p.D867V variant (also known as c.2600A>T), located in coding exon 20 of the LRRK2 gene, results from an A to T substitution at nucleotide position 2600. The aspartic acid at codon 867 is replaced by valine, an amino acid with highly dissimilar properties. This amino acid position is conserved. In addition, this alteration is predicted to be tolerated by in silico analysis. Since supporting evidence is limited at this time, the clinical significance of this alteration remains unclear.